The following is an entry in ClinVar:

ClinVar aggregate classification (germline): Benign/Likely benign. Review status: criteria provided, multiple submitters, no conflicts (2 of 4 stars). 4 submissions from 4 submitters: Benign (1); Likely benign (3). Last evaluated 2026-06-18.

Conditions:
Hereditary cancer-predisposing syndrome. Also called: Hereditary Cancer Syndrome; Hereditary neoplastic syndrome; Neoplastic Syndromes, Hereditary; Tumor predisposition. Identifiers: Orphanet 140162, MedGen C0027672, MeSH D009386, MONDO:0015356.
Retinoblastoma (RB1). Also called: RETINOBLASTOMA, SOMATIC. Identifiers: Orphanet 790, MedGen C0035335, MeSH D012175, MONDO:0008380, OMIM 180200, HP:0009919. Disease mechanism: loss of function. Inheritance: Both sporadic and heritable forms are tested..

Allele frequency attached by ClinVar (database versions not stated): ExAC 0.00001; TOPMed 0.00001; gnomAD 0.00001; gnomAD exomes 0.00001.
gnomAD v4.1: 7 of 1,603,184 alleles (0.00044%); highest among the groups gnomAD compares: East Asian, 0.016%; no homozygotes.

Submissions (4):

Myriad Genetics, Inc.
Classification: Likely benign for Retinoblastoma. Last evaluated: 2026-06-18. Review status: criteria provided, single submitter. Criteria: Myriad Autosomal Dominant, Autosomal Recessive and X-Linked Classification Criteria (2023). Collection method: clinical testing. Allele origin: unknown.
Comment: This variant is considered likely benign. This variant has been observed at a population frequency that is significantly greater than expected given the associated disease prevalence and penetrance.

Labcorp Genetics (formerly Invitae), Labcorp
Classification: Benign for Retinoblastoma. Last evaluated: 2026-01-28. Review status: criteria provided, single submitter. Criteria: Invitae Variant Classification Sherloc (09022015). Collection method: clinical testing. Allele origin: germline.

All of Us Research Program, National Institutes of Health
Classification: Likely benign for Retinoblastoma. Last evaluated: 2024-04-16. Review status: criteria provided, single submitter. Criteria: ACMG Guidelines, 2015. Collection method: clinical testing. Allele origin: germline. Inheritance: Autosomal dominant inheritance. Observed: 1 variant allele, 1 heterozygote.
Comment: This study involves interpretation of variants in research participants for the purpose of population health screening. Participant phenotype was not available at the time of variant classification. Additional details can be found in publication PMID: 35346344, PMCID: PMC8962531

Ambry Genetics
Classification: Likely benign for Hereditary cancer-predisposing syndrome. Last evaluated: 2022-11-01. Review status: criteria provided, single submitter. Criteria: Ambry Variant Classification Scheme 2023. Collection method: clinical testing. Allele origin: germline.

NM_000321.3(RB1):c.958C>G (p.Arg320Gly)

Gene: RB1 (RB transcriptional corepressor 1; plus strand). Cytogenetic location: 13q14.2.
Variant type: single nucleotide variant.
Coding change: c.958C>G on transcript NM_000321.3 (MANE Select); coding-DNA position 958, C replaced by G.
Protein change: p.Arg320Gly; replaces arginine 320 with glycine.
Molecular consequence: missense variant.
Genome position (GRCh38, 1-based): chr13:48,367,512, C>G. VCF-style: chr13-48367512-C-G. GRCh37 (hg19) VCF-style: chr13-48941648-C-G.
Other names: short protein forms R320G.
Identifiers: ClinVar variation 656384 (VCV000656384.13), dbSNP rs121913300, ClinGen allele CA040068.